The following is an entry in ClinVar:

ClinVar aggregate classification (germline): Benign. Review status: criteria provided, multiple submitters, no conflicts (2 of 4 stars). 2 submissions from 2 submitters: Benign (2). Last evaluated 2022-03-03.

Allele frequency attached by ClinVar (database versions not stated): 1000 Genomes Project 0.02376; gnomAD 0.02467; ESP Exome Variant Server 0.02683; gnomAD exomes 0.00643 and 0.00245; ExAC 0.00752; TOPMed 0.02668; 1000 Genomes Project 30x 0.02733.
gnomAD v4.1: 7,120 of 1,591,750 alleles (0.45%); highest among the groups gnomAD compares: African/African-American, 8.2%; 249 homozygotes.

Submissions (2):

Mayo Clinic Laboratories, Mayo Clinic
Classification: Benign. Last evaluated: 2022-03-03. Review status: criteria provided, single submitter. Criteria: ACMG Guidelines, 2015. Collection method: clinical testing. Allele origin: germline. Observed: 25 variant alleles.

GeneDx
Classification: Benign. Last evaluated: 2018-06-16. Review status: criteria provided, single submitter. Criteria: GeneDx Variant Classification (06012015). Collection method: clinical testing. Allele origin: germline. Affected: yes.
Comment: This variant is considered likely benign or benign based on one or more of the following criteria: it is a conservative change, it occurs at a poorly conserved position in the protein, it is predicted to be benign by multiple in silico algorithms, and/or has population frequency not consistent with disease.

NM_016356.5(DCDC2):c.1024-27T>C

Gene: DCDC2 (doublecortin domain containing 2; minus strand). Cytogenetic location: 6p22.3.
Variant type: single nucleotide variant.
Coding change: c.1024-27T>C on transcript NM_016356.5 (MANE Select); 27 bases into the intron before coding-DNA position 1024, T replaced by C.
Molecular consequence: intron variant.
Genome position (GRCh38, 1-based): chr6:24,178,659, A>G on the plus strand (T>C on the coding strand, the complement: DCDC2 is on the minus strand). VCF-style: chr6-24178659-A-G. GRCh37 (hg19) VCF-style: chr6-24178887-A-G.
Other names: p.?; c.1024-27T>C (NM_001195610.2).
Identifiers: ClinVar variation 675948 (VCV000675948.2), dbSNP rs75899525, ClinGen allele CA3654530.